The following is an entry in ClinVar:

ClinVar aggregate classification (germline): Uncertain significance (1 of 4 stars; one submission).

Submission:

Labcorp Genetics (formerly Invitae), Labcorp
Classification: Uncertain significance. Last evaluated: 2023-12-11. Review status: criteria provided, single submitter. Criteria: Invitae Variant Classification Sherloc (09022015). Collection method: clinical testing. Allele origin: unknown.
Comment: A copy number gain of the genomic region encompassing the full coding sequence of the RPL19 gene has been identified. The boundaries of this event are unknown as they extend beyond the assayed region for this gene and therefore may encompass additional genes. As the precise location of this event is unknown, it may be in tandem or it may be located elsewhere in the genome. This variant has not been reported in the literature in individuals affected with RPL19-related conditions. In summary, the available evidence is currently insufficient to determine the role of this variant in disease. Therefore, it has been classified as a Variant of Uncertain Significance.

NC_000017.10:g.(?_37356598)_(37360901_?)dup

Gene: RPL19 (ribosomal protein L19; plus strand). Cytogenetic location: 17q12.
Variant type: Duplication.
Identifiers: ClinVar variation 3243126 (VCV003243126.1).